The following is an entry in ClinVar:

ClinVar aggregate classification (germline): Benign/Likely benign. Review status: criteria provided, multiple submitters, no conflicts (2 of 4 stars). 7 submissions from 7 submitters: Benign (2); Likely benign (3). 2 of the submissions do not count toward it. Last evaluated 2026-01-21.

Conditions:
Left ventricular noncompaction 8 (LVNC8). Identifiers: Orphanet 154, Orphanet 54260, MedGen C3809288, MONDO:0014152, OMIM 615373.

Allele frequency attached by ClinVar (database versions not stated): gnomAD exomes 0.00025; ExAC 0.00035; 1000 Genomes Project 30x 0.00094; 1000 Genomes Project 0.00100; ESP Exome Variant Server 0.00104; gnomAD 0.00112; TOPMed 0.00118.
gnomAD v4.1: 320 of 1,613,810 alleles (0.02%); highest among the groups gnomAD compares: African/African-American, 0.4%; no homozygotes.

Submissions (7):

Labcorp Genetics (formerly Invitae), Labcorp
Classification: Benign for Left ventricular noncompaction 8. Last evaluated: 2026-01-21. Review status: criteria provided, single submitter. Criteria: Invitae Variant Classification Sherloc (09022015). Collection method: clinical testing. Allele origin: germline.

CeGaT Center for Human Genetics Tuebingen
Classification: Likely benign. Last evaluated: 2026-01-01. Review status: criteria provided, single submitter. Criteria: CeGaT Center For Human Genetics Tuebingen Variant Classification Criteria Version 2. Collection method: clinical testing. Allele origin: germline. Affected: yes. Observed: 2 variant alleles.
Comment: PRDM16: BP4, BP7

Women's Health and Genetics/Laboratory Corporation of America, LabCorp
Classification: Benign. Last evaluated: 2024-10-06. Review status: criteria provided, single submitter. Criteria: LabCorp Variant Classification Summary - May 2015. Collection method: clinical testing. Allele origin: germline.

Blueprint Genetics
Classification: Likely benign. Last evaluated: 2024-09-02. Review status: criteria provided, single submitter. Criteria: ACMG Guidelines, 2015. Collection method: clinical testing. Allele origin: germline.

GeneDx
Classification: Likely benign. Last evaluated: 2022-01-27. Review status: criteria provided, single submitter. Criteria: GeneDx Variant Classification Process June 2021. Collection method: clinical testing. Allele origin: germline. Affected: yes.

Clinical Genetics DNA and cytogenetics Diagnostics Lab, Erasmus MC, Erasmus Medical Center
Classification: Likely benign. Review status: no assertion criteria provided. Collection method: clinical testing. Allele origin: germline. Affected: yes. Study: VKGL Data-share Consensus. Not counted in ClinVar's aggregate classification.

Clinical Genetics, Academic Medical Center
Classification: Benign. Review status: no assertion criteria provided. Collection method: clinical testing. Allele origin: germline. Affected: yes. Study: VKGL Data-share Consensus. Not counted in ClinVar's aggregate classification.

NM_022114.4(PRDM16):c.2130G>A (p.Gly710=)

Gene: PRDM16 (PR/SET domain 16; plus strand). Cytogenetic location: 1p36.32.
Variant type: single nucleotide variant.
Coding change: c.2130G>A on transcript NM_022114.4 (MANE Select); coding-DNA position 2130, G replaced by A.
Protein change: p.Gly710=; no amino-acid change (glycine 710 retained).
Molecular consequence: synonymous variant.
Genome position (GRCh38, 1-based): chr1:3,412,327, G>A. VCF-style: chr1-3412327-G-A. GRCh37 (hg19) VCF-style: chr1-3328891-G-A.
Other names: c.2130G>A, p.Gly710= (NM_199454.3).
Identifiers: ClinVar variation 241424 (VCV000241424.25), dbSNP rs193118666, ClinGen allele CA544393.